The following is an entry in ClinVar:

ClinVar aggregate classification (germline): Conflicting classifications of pathogenicity. Review status: criteria provided, conflicting classifications (1 of 4 stars). 5 submissions from 5 submitters: Uncertain significance (1); Likely benign (3). 1 of the submissions does not count toward it. Last evaluated 2026-01-27.

Conditions:
ANKRD11-related disorder. Also called: ANKRD11-related condition.
KBG syndrome (KBGS). Also called: ANKRD11-Related KBG Syndrome. Identifiers: Orphanet 2332, MedGen C0220687, MONDO:0007846, OMIM 148050.

Allele frequency attached by ClinVar (database versions not stated): ExAC 0.00014; ESP Exome Variant Server 0.00019; TOPMed 0.00043; gnomAD 0.00048.
gnomAD v4.1: 117 of 1,577,966 alleles (0.0074%); highest among the groups gnomAD compares: African/African-American, 0.14%; no homozygotes.

Submissions (5):

Labcorp Genetics (formerly Invitae), Labcorp
Classification: Likely benign for KBG syndrome. Last evaluated: 2026-01-27. Review status: criteria provided, single submitter. Criteria: Invitae Variant Classification Sherloc (09022015). Collection method: clinical testing. Allele origin: germline.

Blueprint Genetics
Classification: Likely benign. Last evaluated: 2024-08-21. Review status: criteria provided, single submitter. Criteria: ACMG Guidelines, 2015. Collection method: clinical testing. Allele origin: germline.

CeGaT Center for Human Genetics Tuebingen
Classification: Likely benign. Last evaluated: 2022-12-01. Review status: criteria provided, single submitter. Criteria: CeGaT Center For Human Genetics Tuebingen Variant Classification Criteria Version 2. Collection method: clinical testing. Allele origin: germline. Affected: yes. Observed: 1 variant allele.
Comment: ANKRD11: BP4, BS1

Revvity Omics, Revvity
Classification: Uncertain significance for KBG syndrome. Last evaluated: 2019-06-05. Review status: criteria provided, single submitter. Criteria: ACMG Guidelines, 2015. Collection method: clinical testing. Allele origin: germline.

PreventionGenetics, part of Exact Sciences
Classification: Likely benign for ANKRD11-related condition. Last evaluated: 2019-10-24. Review status: no assertion criteria provided. Collection method: clinical testing. Allele origin: germline. Not counted in ClinVar's aggregate classification.
Comment: This variant is classified as likely benign based on ACMG/AMP sequence variant interpretation guidelines (Richards et al. 2015 PMID: 25741868, with internal and published modifications).

NM_013275.6(ANKRD11):c.6115G>A (p.Asp2039Asn)

Gene: ANKRD11 (ankyrin repeat domain 11; minus strand). Cytogenetic location: 16q24.3.
Variant type: single nucleotide variant.
Coding change: c.6115G>A on transcript NM_013275.6 (MANE Select); coding-DNA position 6115, G replaced by A.
Protein change: p.Asp2039Asn; replaces aspartic acid 2039 with asparagine.
Molecular consequence: missense variant.
Genome position (GRCh38, 1-based): chr16:89,280,427, C>T on the plus strand (G>A on the coding strand, the complement: ANKRD11 is on the minus strand). VCF-style: chr16-89280427-C-T. GRCh37 (hg19) VCF-style: chr16-89346835-C-T.
Other names: c.6115G>A, p.Asp2039Asn (NM_001256182.2, NM_001256183.2); c.6115G>A (NM_013275.5); short protein forms D2039N.
Identifiers: ClinVar variation 2439090 (VCV002439090.32), dbSNP rs376679880, ClinGen allele CA8241579.
Genomic context (GRCh38, chr16:89,280,427, plus strand): 5'-GAGGGGCGTAGGGAGCCGCCTCTGAGGTGGAGATGGCGGCGGGGACGGCGTCCACTCCGT[C>T]CTTGACGTCCTCCAGCCCCGGCTCAGCGACGGGCAGAGCGTACGGGGCAGGAGAGGCGGG-3'
Protein context (NP_037407.4, residues 2029-2049): VAEPGLEDVK[Asp2039Asn]GVDAVPAAIS